The following is an entry in ClinVar:

NM_205836.3(FBXO38):c.736A>T (p.Thr246Ser)

Gene: FBXO38 (F-box protein 38; plus strand). Cytogenetic location: 5q32.
Variant type: single nucleotide variant.
Coding change: c.736A>T on transcript NM_205836.3 (MANE Select); coding-DNA position 736, A replaced by T.
Protein change: p.Thr246Ser; replaces threonine 246 with serine.
Molecular consequence: missense variant.
Genome position (GRCh38, 1-based): chr5:148,406,262, A>T. VCF-style: chr5-148406262-A-T. GRCh37 (hg19) VCF-style: chr5-147785825-A-T.
Other names: c.736A>T, p.Thr246Ser (NM_001271723.2, NM_030793.5); short protein forms T246S.
Identifiers: ClinVar variation 2729342 (VCV002729342.3), dbSNP rs1752440888, ClinGen allele CA361656188.

ClinVar aggregate classification (germline): Uncertain significance (1 of 4 stars; one submission).

Conditions:
Distal hereditary motor neuropathy type 2. Identifiers: Orphanet 139525, MedGen C3711384, MeSH C580044, MONDO:0015352.

Allele frequency attached by ClinVar (database versions not stated): TOPMed below 0.00001.

Submission:

Labcorp Genetics (formerly Invitae), Labcorp
Classification: Uncertain significance for Distal hereditary motor neuropathy type 2. Last evaluated: 2023-12-28. Review status: criteria provided, single submitter. Criteria: Invitae Variant Classification Sherloc (09022015). Collection method: clinical testing. Allele origin: germline.
Comment: This sequence change replaces threonine, which is neutral and polar, with serine, which is neutral and polar, at codon 246 of the FBXO38 protein (p.Thr246Ser). This variant is not present in population databases (gnomAD no frequency). This variant has not been reported in the literature in individuals affected with FBXO38-related conditions. Advanced modeling of protein sequence and biophysical properties (such as structural, functional, and spatial information, amino acid conservation, physicochemical variation, residue mobility, and thermodynamic stability) performed at Invitae indicates that this missense variant is not expected to disrupt FBXO38 protein function with a negative predictive value of 80%. In summary, the available evidence is currently insufficient to determine the role of this variant in disease. Therefore, it has been classified as a Variant of Uncertain Significance.